The following is an entry in ClinVar:

NM_001365951.3(KIF1B):c.3950-3T>C

Gene: KIF1B (kinesin family member 1B; plus strand). Cytogenetic location: 1p36.22.
Variant type: single nucleotide variant.
Coding change: c.3950-3T>C on transcript NM_001365951.3 (MANE Select); 3 bases into the intron before coding-DNA position 3950, T replaced by C.
Molecular consequence: intron variant.
Genome position (GRCh38, 1-based): chr1:10,352,628, T>C. VCF-style: chr1-10352628-T-C. GRCh37 (hg19) VCF-style: chr1-10412686-T-C.
Other names: c.3812-3T>C (NM_015074.3); c.3950-3T>C (NM_001365952.1).
Identifiers: ClinVar variation 3533974 (VCV003533974.1).
Genomic context (GRCh38, chr1:10,352,628, plus strand): 5'-TAATGAATTCATGTTTTGTTTTCAAATGTGTCCGTGCTCTGTTTTTTTTATCCTTTCTTT[T>C]AGGTCGTATTCGGAATAAGCCTGAGGTGGATGAAGCTGCAGTTGATGCCATCCTCTCCCT-3'

ClinVar aggregate classification (germline): Uncertain significance (1 of 4 stars; one submission).

Submission:

Ambry Genetics
Classification: Uncertain significance. Last evaluated: 2024-08-16. Review status: criteria provided, single submitter. Criteria: Ambry Variant Classification Scheme 2023. Collection method: clinical testing. Allele origin: germline.
Comment: The c.3812-3T>C intronic variant results from a T to C substitution 3 nucleotides upstream from coding exon 35 in the KIF1B gene. This nucleotide position is not well conserved in available vertebrate species. In silico splice site analysis predicts that this alteration will not have any significant effect on splicing. The evidence for this gene-disease relationship is limited; therefore, the clinical significance of this alteration is unclear.